The following is an entry in ClinVar:

ClinVar aggregate classification (germline): Uncertain significance. Review status: criteria provided, multiple submitters, no conflicts (2 of 4 stars). 5 submissions from 5 submitters: Uncertain significance (5). Last evaluated 2023-12-08.

Conditions:
Charcot-Marie-Tooth disease recessive intermediate C. Also called: CHARCOT-MARIE-TOOTH NEUROPATHY, RECESSIVE INTERMEDIATE C. Identifiers: Orphanet 369867, MedGen C3809309, MONDO:0014154, OMIM 615376.
Neuronopathy, distal hereditary motor, autosomal recessive 4. Also called: Autosomal recessive lower motor neuron disease with childhood onset; NEUROPATHY, DISTAL HEREDITARY MOTOR, AUTOSOMAL RECESSIVE 4. Identifiers: Orphanet 206580, MedGen C1970211, MONDO:0012608, OMIM 611067.
Inborn genetic diseases. Identifiers: MedGen C0950123, MeSH D030342.

Allele frequency attached by ClinVar (database versions not stated): gnomAD 0.00002; gnomAD exomes 0.00002 and 0.00003; TOPMed 0.00003; ExAC 0.00005.
gnomAD v4.1: 32 of 1,590,854 alleles (0.002%); highest among the groups gnomAD compares: East Asian, 0.011%; no homozygotes.

Submissions (5):

ARUP Laboratories, Molecular Genetics and Genomics, ARUP Laboratories
Classification: Uncertain significance. Last evaluated: 2023-12-08. Review status: criteria provided, single submitter. Criteria: ARUP Molecular Germline Variant Investigation Process 2024. Collection method: clinical testing. Allele origin: germline.
Comment: The PLEKHG5 c.2609C>T; p.Pro870Leu variant (rs772693344), to our knowledge, is not reported in the medical literature but is reported in ClinVar (Variation ID: 246413). This variant is found in the general population with an overall allele frequency of 0.004% (10/263370 alleles) in the Genome Aggregation Database (v2.1.1). Computational analyses predict that this variant is neutral (REVEL: 0.062). Due to limited information, the clinical significance of this variant is uncertain at this time.

Labcorp Genetics (formerly Invitae), Labcorp
Classification: Uncertain significance for Neuronopathy, distal hereditary motor, autosomal recessive 4; Charcot-Marie-Tooth disease recessive intermediate C. Last evaluated: 2022-05-22. Review status: criteria provided, single submitter. Criteria: Invitae Variant Classification Sherloc (09022015). Collection method: clinical testing. Allele origin: germline.
Comment: This sequence change replaces proline, which is neutral and non-polar, with leucine, which is neutral and non-polar, at codon 870 of the PLEKHG5 protein (p.Pro870Leu). This variant is present in population databases (rs772693344, gnomAD 0.01%). This variant has not been reported in the literature in individuals affected with PLEKHG5-related conditions. ClinVar contains an entry for this variant (Variation ID: 246413). Algorithms developed to predict the effect of missense changes on protein structure and function output the following: SIFT: "Tolerated"; PolyPhen-2: "Benign"; Align-GVGD: "Class C0". The leucine amino acid residue is found in multiple mammalian species, which suggests that this missense change does not adversely affect protein function. In summary, the available evidence is currently insufficient to determine the role of this variant in disease. Therefore, it has been classified as a Variant of Uncertain Significance.

GeneDx
Classification: Uncertain significance. Last evaluated: 2022-01-31. Review status: criteria provided, single submitter. Criteria: GeneDx Variant Classification Process June 2021. Collection method: clinical testing. Allele origin: germline. Affected: yes.
Comment: Not observed at significant frequency in large population cohorts (gnomAD); In silico analysis supports that this missense variant does not alter protein structure/function; Has not been previously published as pathogenic or benign to our knowledge

Ambry Genetics
Classification: Uncertain significance for Inborn genetic diseases. Last evaluated: 2019-10-31. Review status: criteria provided, single submitter. Criteria: Ambry Variant Classification Scheme 2023. Collection method: clinical testing. Allele origin: germline.
Comment: The p.P870L variant (also known as c.2609C>T), located in coding exon 19 of the PLEKHG5 gene, results from a C to T substitution at nucleotide position 2609. The proline at codon 870 is replaced by leucine, an amino acid with similar properties. This amino acid position is poorly conserved in available vertebrate species. In addition, this alteration is predicted to be tolerated by in silico analysis. Since supporting evidence is limited at this time, the clinical significance of this alteration remains unclear.

Neuberg Centre For Genomic Medicine, NCGM
Classification: Uncertain significance for Charcot-Marie-Tooth disease recessive intermediate C. Review status: criteria provided, single submitter. Criteria: ACMG Guidelines, 2015. Collection method: clinical testing. Allele origin: germline. Inheritance: Autosomal recessive inheritance. Affected: yes.
Comment: The missense c.2609C>T (p.Pro870Leu) variant in PLEKHG5 gene has been submitted to ClinVar as a Variant of Uncertain Significance, but no details are available for independent assessment. It has not been reported in affected individuals. The variant is observed in 0.003% alleles in gnomAD Exomes and is novel (not in any individuals) in 1000 Genomes. The amino acid Pro at position 870 is changed to a Leu changing protein sequence and it might alter its composition and physico-chemical properties. For these reasons, this variant has been classified as Uncertain Significance.

NM_020631.6(PLEKHG5):c.2609C>T (p.Pro870Leu)

Gene: PLEKHG5 (pleckstrin homology and RhoGEF domain containing G5; minus strand). Cytogenetic location: 1p36.31.
Variant type: single nucleotide variant.
Coding change: c.2609C>T on transcript NM_020631.6 (MANE Select); coding-DNA position 2609, C replaced by T.
Protein change: p.Pro870Leu; replaces proline 870 with leucine.
Molecular consequence: missense variant.
Genome position (GRCh38, 1-based): chr1:6,468,227, G>A on the plus strand (C>T on the coding strand, the complement: PLEKHG5 is on the minus strand). VCF-style: chr1-6468227-G-A. GRCh37 (hg19) VCF-style: chr1-6528287-G-A.
Other names: c.2720C>T, p.Pro907Leu (NM_001042663.3, NM_001265592.2); c.2609C>T, p.Pro870Leu (NM_001042664.2, NM_001042665.2, NM_001265594.3 and 1 more transcripts); c.2816C>T, p.Pro939Leu (NM_001265593.2); short protein forms P870L, P939L, P907L.
Identifiers: ClinVar variation 246413 (VCV000246413.13), dbSNP rs772693344, ClinGen allele CA561122.